The following is an entry in ClinVar:

ClinVar aggregate classification (germline): Uncertain significance. Review status: criteria provided, multiple submitters, no conflicts (2 of 4 stars). 2 submissions from 2 submitters: Uncertain significance (2). Last evaluated 2025-08-25.

Conditions:
Inborn genetic diseases. Identifiers: MedGen C0950123, MeSH D030342.

gnomAD v4.1: 9 of 1,457,844 alleles (0.00062%); highest among the groups gnomAD compares: Non-Finnish European, 0.00081%; no homozygotes.

Submissions (2):

Ambry Genetics
Classification: Uncertain significance for Inborn genetic diseases. Last evaluated: 2025-08-25. Review status: criteria provided, single submitter. Criteria: Ambry Variant Classification Scheme 2023. Collection method: clinical testing. Allele origin: germline.

GeneDx
Classification: Uncertain significance. Last evaluated: 2023-07-25. Review status: criteria provided, single submitter. Criteria: GeneDx Variant Classification Process June 2021. Collection method: clinical testing. Allele origin: germline. Affected: yes.
Comment: Not observed at significant frequency in large population cohorts (gnomAD); In silico analysis supports that this missense variant does not alter protein structure/function; Has not been previously published as pathogenic or benign to our knowledge

NM_031475.3(ESPN):c.1582G>A (p.Gly528Ser)

Gene: ESPN (espin; plus strand). Cytogenetic location: 1p36.31.
Variant type: single nucleotide variant.
Coding change: c.1582G>A on transcript NM_031475.3 (MANE Select); coding-DNA position 1582, G replaced by A.
Protein change: p.Gly528Ser; replaces glycine 528 with serine.
Molecular consequence: missense variant.
Genome position (GRCh38, 1-based): chr1:6,448,758, G>A. VCF-style: chr1-6448758-G-A. GRCh37 (hg19) VCF-style: chr1-6508818-G-A.
Other names: c.1582G>A, p.Gly528Ser (NM_001367473.1, NM_001367474.1); short protein forms G528S.
Identifiers: ClinVar variation 3361351 (VCV003361351.2).